The following is an entry in ClinVar:

ClinVar aggregate classification (germline): Conflicting classifications of pathogenicity. Review status: criteria provided, conflicting classifications (1 of 4 stars). 9 submissions from 8 submitters: Uncertain significance (7); Benign (2). Last evaluated 2026-01-18.

Conditions:
NOD2-related disorder. Also called: NOD2-related condition.
Blau syndrome (BLAUS). Also called: ARTHROCUTANEOUVEAL GRANULOMATOSIS; GRANULOMATOSIS, FAMILIAL JUVENILE SYSTEMIC; GRANULOMATOSIS, FAMILIAL, BLAU TYPE; GRANULOMATOUS INFLAMMATORY ARTHRITIS, DERMATITIS, AND UVEITIS, FAMILIAL; JABS SYNDROME. Identifiers: Orphanet 90340, MedGen C5201146, MONDO:0008523, OMIM 186580.
Regional enteritis. Also called: Enteritis, Granulomatous. Identifiers: MedGen C0678202, MeSH D003424.
Inflammatory bowel disease 1 (IBD1). Also called: INFLAMMATORY BOWEL DISEASE (CROHN DISEASE) 1; Inflammatory bowel disease 1, Crohn disease. Identifiers: MedGen CN260071, MONDO:0009960, OMIM 266600.

Allele frequency attached by ClinVar (database versions not stated): TOPMed 0.00012.
gnomAD v4.1: 189 of 1,614,038 alleles (0.012%); highest among the groups gnomAD compares: Middle Eastern, 0.033%; no homozygotes.

Submissions (9):

Labcorp Genetics (formerly Invitae), Labcorp
Classification: Benign for Regional enteritis; Blau syndrome. Last evaluated: 2026-01-18. Review status: criteria provided, single submitter. Criteria: Invitae Variant Classification Sherloc (09022015). Collection method: clinical testing. Allele origin: germline.

PreventionGenetics, part of Exact Sciences
Classification: Uncertain significance for NOD2-related condition. Last evaluated: 2024-10-23. Review status: criteria provided, single submitter. Criteria: ACMG Guidelines, 2015. Collection method: clinical testing. Allele origin: germline.
Comment: The NOD2 c.2722G>T variant is predicted to result in the amino acid substitution p.Gly908Cys. This variant has been reported in an individual with orofacial granulomatosis (Mentzer et al. 2016. PubMed ID: 27306066). A similar variant affecting the same amino acid [c.2722G>C (p.Gly908Arg)] has been reported as a risk allele for Crohn’s disease (Hugot et al. 2001. PubMed ID: 11385576; Ogura et al. 2001. PubMed ID: 11385577) and increased risk for hepatitis B virus infection (Al-Anazi et al. 2019. PubMed ID: 31485165). The c.2722G>T (p.Gly908Cys) variant is reported in 0.37% of alleles in individuals of Ashkenazi Jewish descent in gnomAD. At this time, the clinical significance of this variant is uncertain due to the absence of conclusive functional and genetic evidence.

Blueprint Genetics
Classification: Uncertain significance. Last evaluated: 2024-04-04. Review status: criteria provided, single submitter. Criteria: ACMG Guidelines, 2015. Collection method: clinical testing. Allele origin: germline.

Johns Hopkins Genomics, Johns Hopkins University
Classification: Uncertain significance for Blau syndrome. Last evaluated: 2022-04-09. Review status: criteria provided, single submitter. Criteria: ACMG Guidelines, 2015. Collection method: clinical testing. Allele origin: germline.
Comment: This NOD2 variant (rs2066845) has been identified in a large population dataset and the minor allele frequency is neither low enough to consider the variant rare (<0.1%) nor high enough to consider it a population polymorphism (>1%) within the Ashkenazi Jewish subpopulation (gnomAD: 38/10370 alleles; 0.37%; no homozgotes). This variant has been reported in ClinVar. While this variant has not been reported in individuals with Blau syndrome, it has been reported in an individual with orofacial granulomatosis. Three bioinformatic tools queried predict that this substitution would be damaging, and the glycine residue at this position is conserved across most mammalian species assessed. Bioinformatic analysis predicts that this variant would not affect normal exon 8 splicing, although this has not been confirmed experimentally to our knowledge. A NOD2 polymorphism affecting the same amino acid residue (p.Gly881Arg) is associated with susceptibility to Crohn disease and Yao syndrome. Due to insufficient evidence that this variant is deleterious, we consider the clinical significance of c.2641G>T to be uncertain at this time.

Mayo Clinic Laboratories, Mayo Clinic
Classification: Uncertain significance. Last evaluated: 2022-03-22. Review status: criteria provided, single submitter. Criteria: ACMG Guidelines, 2015. Collection method: clinical testing. Allele origin: germline. Observed: 2 variant alleles.
Comment: BS1

ARUP Laboratories, Molecular Genetics and Genomics, ARUP Laboratories
Classification: Uncertain significance. Last evaluated: 2021-03-16. Review status: criteria provided, single submitter. Criteria: ARUP Molecular Germline Variant Investigation Process 2021. Collection method: clinical testing. Allele origin: germline.
Comment: The NOD2 c.2722G>T; p.Gly908Cys variant (rs2066845) has not been reported in individuals with Blau syndrome but has been reported in an individual with orofacial granulomatosis (Mentzer 2016). This variant is reported in ClinVar (Variation ID: 808041). This variant is found in the Ashkenazi Jewish population with an allele frequency of 0.37% (38/10370 alleles) in the Genome Aggregation Database. The glycine at codon 908 is moderately conserved, but computational analyses are uncertain whether this variant is neutral or deleterious (REVEL: 0.385). However, given the lack of clinical and functional data, the significance of the p.Gly908Cys variant is uncertain at this time. References: Mentzer A et al. Genetic Association Analysis Reveals Differences in the Contribution of NOD2 Variants to the Clinical Phenotypes of Orofacial Granulomatosis. Inflamm Bowel Dis. 2016 Jul;22(7):1552-8.

CeGaT Center for Human Genetics Tuebingen
Classification: Uncertain significance. Last evaluated: 2018-09-01. Review status: criteria provided, single submitter. Criteria: CeGaT Center For Human Genetics Tuebingen Variant Classification Criteria Version 2. Collection method: clinical testing. Allele origin: germline. Affected: yes. Observed: 1 variant allele.

Illumina Laboratory Services, Illumina
Classification: Benign for Blau syndrome. Last evaluated: 2017-04-28. Review status: criteria provided, single submitter. Criteria: ICSL Variant Classification Criteria 13 December 2019. Collection method: clinical testing. Allele origin: germline.
Comment: This variant was observed as part of a predisposition screen in an ostensibly healthy population. A literature search was performed for the gene, cDNA change, and amino acid change (where applicable). No publications were found based on this search. Allele frequency data from public databases was too high to be consistent with this variant causing disease. Therefore, this variant is classified as benign.

Illumina Laboratory Services, Illumina
Classification: Uncertain significance for Inflammatory bowel disease 1. Last evaluated: 2017-04-28. Review status: criteria provided, single submitter. Criteria: ICSL Variant Classification Criteria 13 December 2019. Collection method: clinical testing. Allele origin: germline.

Literature cited by the submitters: PubMed 11528384 (cited by Johns Hopkins Genomics, Johns Hopkins University); PubMed 15459013 (cited by Johns Hopkins Genomics, Johns Hopkins University); PubMed 19467619 (cited by Johns Hopkins Genomics, Johns Hopkins University); PubMed 27306066 (cited by Johns Hopkins Genomics, Johns Hopkins University).

NM_001370466.1(NOD2):c.2641G>T (p.Gly881Cys)

Gene: NOD2 (nucleotide binding oligomerization domain containing 2; plus strand). Cytogenetic location: 16q12.1.
Variant type: single nucleotide variant.
Coding change: c.2641G>T on transcript NM_001370466.1 (MANE Select); coding-DNA position 2641, G replaced by T.
Protein change: p.Gly881Cys; replaces glycine 881 with cysteine.
Molecular consequence: missense variant. On other transcripts: non-coding transcript variant (1).
Genome position (GRCh38, 1-based): chr16:50,722,629, G>T. VCF-style: chr16-50722629-G-T. GRCh37 (hg19) VCF-style: chr16-50756540-G-T.
Other names: c.2641G>T, p.Gly881Cys (NM_001293557.2); c.2722G>T, p.Gly908Cys (NM_022162.3); short protein forms G908C, G881C.
Identifiers: ClinVar variation 808041 (VCV000808041.63), dbSNP rs2066845, ClinGen allele CA8051955.